The following is an entry in ClinVar:

ClinVar aggregate classification (germline): Uncertain significance (1 of 4 stars; one submission).

Submission:

Ambry Genetics
Classification: Uncertain significance. Last evaluated: 2026-05-14. Review status: criteria provided, single submitter. Criteria: Ambry Variant Classification Scheme 2023. Collection method: clinical testing. Allele origin: germline.
Comment: The p.E90D variant (also known as c.270A>T), located in coding exon 3 of the RECQL gene, results from an A to T substitution at nucleotide position 270. The glutamic acid at codon 90 is replaced by aspartic acid, an amino acid with highly similar properties. This amino acid position is conserved. In addition, this alteration is predicted to be tolerated by in silico analysis. Based on the available evidence, the clinical significance of this variant remains unclear.

NM_002907.4(RECQL):c.270A>T (p.Glu90Asp)

Gene: RECQL (RecQ like helicase; minus strand). Cytogenetic location: 12p12.1.
Variant type: single nucleotide variant.
Coding change: c.270A>T on transcript NM_002907.4 (MANE Select); coding-DNA position 270, A replaced by T.
Protein change: p.Glu90Asp; replaces glutamic acid 90 with aspartic acid.
Molecular consequence: missense variant.
Genome position (GRCh38, 1-based): chr12:21,490,323, T>A on the plus strand (A>T on the coding strand, the complement: RECQL is on the minus strand). VCF-style: chr12-21490323-T-A. GRCh37 (hg19) VCF-style: chr12-21643257-T-A.
Other names: c.270A>T, p.Glu90Asp (NM_032941.3); short protein forms E90D.
Identifiers: ClinVar variation 4863126 (VCV004863126.1).
Genomic context (GRCh38, chr12:21,490,323, plus strand): 5'-AAATACCTCCTTTCCAGCCATTGTTACGTTAATAGTTTCAAGCTGAAGTGGTCTGAACTT[T>A]TCCAGTTTAAAGACATTTTGCAGAATATCTTTAACTTTACCAGACCATGGAAAATCTAGG-3'
Protein context (NP_002898.2, residues 80-100): KDILQNVFKL[Glu90Asp]KFRPLQLETI